The following is an entry in ClinVar:

NM_001211.6(BUB1B):c.2668C>A (p.Leu890Ile)

Gene: BUB1B (BUB1 mitotic checkpoint serine/threonine kinase B; plus strand). Cytogenetic location: 15q15.1.
Variant type: single nucleotide variant.
Coding change: c.2668C>A on transcript NM_001211.6 (MANE Select); coding-DNA position 2668, C replaced by A.
Protein change: p.Leu890Ile; replaces leucine 890 with isoleucine.
Molecular consequence: missense variant.
Genome position (GRCh38, 1-based): chr15:40,213,464, C>A. VCF-style: chr15-40213464-C-A. GRCh37 (hg19) VCF-style: chr15-40505665-C-A.
Other names: short protein forms L890I.
Identifiers: ClinVar variation 3262268 (VCV003262268.1).

ClinVar aggregate classification (germline): Uncertain significance (1 of 4 stars; one submission).

Conditions:
Inborn genetic diseases. Identifiers: MedGen C0950123, MeSH D030342.

Submission:

Ambry Genetics
Classification: Uncertain significance for Inborn genetic diseases. Last evaluated: 2024-05-25. Review status: criteria provided, single submitter. Criteria: Ambry Variant Classification Scheme 2023. Collection method: clinical testing. Allele origin: germline.
Comment: The p.L890I variant (also known as c.2668C>A), located in coding exon 20 of the BUB1B gene, results from a C to A substitution at nucleotide position 2668. The leucine at codon 890 is replaced by isoleucine, an amino acid with highly similar properties. This amino acid position is conserved. In addition, this alteration is predicted to be tolerated by in silico analysis. Based on the available evidence, the clinical significance of this variant remains unclear.